The following is an entry in ClinVar:

ClinVar aggregate classification (germline): Pathogenic. Review status: criteria provided, multiple submitters, no conflicts (2 of 4 stars). 5 submissions from 5 submitters: Pathogenic (4). 1 of the submissions does not count toward it. Last evaluated 2025-07-20.

Conditions:
Cardiac arrhythmia. Also called: Arrhythmia; Cardiac rhythm disease. Identifiers: MedGen C0003811, MONDO:0007263, HP:0011675.
Familial long QT syndrome (RWS). Also called: Congenital long QT syndrome; Romano-Ward syndrome; VENTRICULAR FIBRILLATION WITH PROLONGED QT INTERVAL. Identifiers: Orphanet 768, MedGen C1141890, MONDO:0019171.
Long QT syndrome (LQTS). Identifiers: MedGen C0023976, MeSH D008133, MONDO:0002442. Disease mechanism: loss of function. Inheritance: Various modes of inheritance.

Submissions (5):

Labcorp Genetics (formerly Invitae), Labcorp
Classification: Pathogenic for Long QT syndrome. Last evaluated: 2025-07-20. Review status: criteria provided, single submitter. Criteria: Invitae Variant Classification Sherloc (09022015). Collection method: clinical testing. Allele origin: germline.
Comment: This sequence change replaces glutamic acid, which is acidic and polar, with aspartic acid, which is acidic and polar, at codon 261 of the KCNQ1 protein (p.Glu261Asp). This variant is not present in population databases (gnomAD no frequency). This missense change has been observed in individual(s) with Jervell and Lange-Nielsen syndrome and clinically confirmed long QT syndrome (PMID: 10704188, 11530100, 15840476, 18752142, 23631430, 26675252; internal data). In at least one individual the data is consistent with being in trans (on the opposite chromosome) from a pathogenic variant. ClinVar contains an entry for this variant (Variation ID: 53104). Invitae Evidence Modeling of protein sequence and biophysical properties (such as structural, functional, and spatial information, amino acid conservation, physicochemical variation, residue mobility, and thermodynamic stability) indicates that this missense variant is expected to disrupt KCNQ1 protein function with a positive predictive value of 95%. Experimental studies have shown that this missense change affects KCNQ1 function (PMID: 11530100, 15935335). For these reasons, this variant has been classified as Pathogenic.

Color Diagnostics, LLC DBA Color Health
Classification: Pathogenic for Cardiac arrhythmia. Last evaluated: 2024-03-04. Review status: criteria provided, single submitter. Criteria: ACMG Guidelines, 2015. Collection method: clinical testing. Allele origin: germline.
Comment: This missense variant replaces glutamic acid with aspartic acid at codon 261 of the KCNQ1 protein. This variant is found within the highly conserved cytoplasmic linker domain (a.a. 249-261). Rare non-truncating variants in this region have been shown to be significantly overrepresented in individuals with long QT syndrome (PMID: 32893267). Functional studies have shown that this variant leads to retention of the KCNQ1 protein in the endoplasmic reticulum and has a dominant effect over the trafficking of the wild type channel, resulting a pronounced reduction in channel current amplitude (PMID: 11530100, 15935335, 29020060). This variant has been reported in at least 6 unrelated individuals affected with or suspected of having long QT syndrome (PMID: 15840476, 18752142, 23631430, 24080067, 26675252, ClinVar SCV001579495.4). This variant has also been observed in compound heterozygous state with a known pathogenic KCNQ1 variant in two individuals affected with autosomal recessive Jervell and Lange-Nielsen syndrome (PMID: 10704188, 26675252, 27451284), indicating that this variant contributes to disease. This variant has not been identified in the general population by the Genome Aggregation Database (gnomAD). Based on the available evidence, this variant is classified as Pathogenic.

All of Us Research Program, National Institutes of Health
Classification: Pathogenic for Long QT syndrome. Last evaluated: 2023-11-17. Review status: criteria provided, single submitter. Criteria: ACMG Guidelines, 2015. Collection method: clinical testing. Allele origin: germline. Inheritance: Autosomal dominant inheritance. Observed: 1 variant allele, 1 heterozygote.
Comment: The c.783G>C (p.Glu261Asp) variant in KCNQ1 gene, that encodes for potassium voltage-gated channel subfamily Q member 1, has been identified in heterozygous status in multiple unrelated individuals (at least 9) with Long QT syndrome (LQTS) (PMID: 15840476, 18752142, 23631430, 26675252) and in one individual affected with Jervell and Lange-Nielsen syndrome (PMID:11140949). This variant has also been observed in compound heterozygous status (with another pathogenic variant p.Glu530*) in two individuals with Jervell and Lange-Nielsen syndrome (JLNS) (PMID: 10704188, 26675252). Expermental studies using Xenopus oocytes showed strong dominant negative effect resulted in pronounced reduction in current amplitude compared to control (PMID: 11530100). When co-expressed with KCNE1 in CHO-K1 and murine myocyte cell line, this variant showed retention of protein to the endoplasmic reticulum and decrease in tail current density (PMID: 15935335). In-silico computational prediction tools suggest that the p.Glu261Aspvariant may have deleterious effect on the protein function (REVEL score: 0.867). This variant is found to be absent in the general population database, gnomAD and interpreted as pathogenic by a submitter in the ClinVar database (ClinVar ID: 53104). Other missense variants substituting the same amino acid (p.Glu261Leu, p.Glu261Gln, p.Glu261Lys) are reported in multiple individuals with LQTS (PMID: 9386136, 19716085, 26669661, 27041096) and classified as likely pathogenic/pathogenic by several submitters in the ClinVar (ClinVar ID: 405253, 67106, 53103). Therefore, the c.783G>C (p.Glu261Asp) variant in the KCNQ1 gene is classified as pathogenic.

This study involves interpretation of variants in research participants for the purpose of population health screening. Participant phenotype was not available at the time of variant classification. Additional details can be found in publication PMID: 35346344, PMCID: PMC8962531

Clinical Genetics Laboratory, Skane University Hospital Lund
Classification: Pathogenic. Last evaluated: 2022-07-13. Review status: criteria provided, single submitter. Criteria: ACMG Guidelines, 2015. Collection method: clinical testing. Allele origin: germline. Affected: yes.

Cardiovascular Biomedical Research Unit, Royal Brompton & Harefield NHS Foundation Trust
No classification provided. Condition: Familial long QT syndrome. Review status: no classification provided. Collection method: literature only. Allele origin: germline. Not counted in ClinVar's aggregate classification.
Comment: This variant has been reported as associated with Long QT syndrome in the following publications (PMID:10704188;PMID:11530100;PMID:15840476;PMID:18752142;PMID:11140949;PMID:17999538;PMID:15935335). This is a literature report, and does not necessarily reflect the clinical interpretation of the Imperial College / Royal Brompton Cardiovascular Genetics laboratory.

Literature cited by the submitters: PubMed 10704188 (cited by 4 submitters); PubMed 11530100 (cited by 4 submitters); PubMed 15840476 (cited by 4 submitters); PubMed 18752142 (cited by 4 submitters); PubMed 23631430 (cited by 3 submitters); PubMed 26675252 (cited by 3 submitters); PubMed 15935335 (cited by 4 submitters); PubMed 24080067 (cited by Color Diagnostics, LLC DBA Color Health); PubMed 27451284 (cited by Color Diagnostics, LLC DBA Color Health); PubMed 29020060 (cited by Color Diagnostics, LLC DBA Color Health); PubMed 32893267 (cited by Color Diagnostics, LLC DBA Color Health); PubMed 9386136 (cited by All of Us Research Program, National Institutes of Health); PubMed 11140949 (cited by All of Us Research Program, National Institutes of Health and Cardiovascular Biomedical Research Unit, Royal Brompton & Harefield NHS Foundation Trust); PubMed 19716085 (cited by All of Us Research Program, National Institutes of Health); PubMed 26669661 (cited by All of Us Research Program, National Institutes of Health); PubMed 27041096 (cited by All of Us Research Program, National Institutes of Health); PubMed 17999538 (cited by Cardiovascular Biomedical Research Unit, Royal Brompton & Harefield NHS Foundation Trust); PubMed 22581653 (cited by Cardiovascular Biomedical Research Unit, Royal Brompton & Harefield NHS Foundation Trust).

NM_000218.3(KCNQ1):c.783G>C (p.Glu261Asp)

Gene: KCNQ1 (potassium voltage-gated channel subfamily Q member 1; plus strand). Cytogenetic location: 11p15.5.
Variant type: single nucleotide variant.
Coding change: c.783G>C on transcript NM_000218.3 (MANE Select); coding-DNA position 783, G replaced by C.
Protein change: p.Glu261Asp; replaces glutamic acid 261 with aspartic acid.
Molecular consequence: missense variant.
Genome position (GRCh38, 1-based): chr11:2,572,848, G>C. VCF-style: chr11-2572848-G-C. GRCh37 (hg19) VCF-style: chr11-2594078-G-C.
Other names: c.783G>C (LRG_287t1); c.783G>C, p.Glu261Asp (NM_001406836.1); c.513G>C, p.Glu171Asp (NM_001406837.1); c.402G>C, p.Glu134Asp (NM_181798.2); short protein forms E261D, E134D, E171D.
Identifiers: ClinVar variation 53104 (VCV000053104.12), dbSNP rs199472721, ClinGen allele CA008229.